The following is an entry in ClinVar:

ClinVar aggregate classification (germline): Likely pathogenic (1 of 4 stars; one submission).

Conditions:
Mucopolysaccharidosis, MPS-III-D (MPS3D). Also called: N-ACETYLGLUCOSAMINE-6-SULFATASE DEFICIENCY; SANFILIPPO SYNDROME D; MPS III D; Mucopoly-saccharidosis type 3D; N-acetylglucosamine-6-sulfate sulfatase deficiency; MPS 3D. Identifiers: Orphanet 581, Orphanet 79272, MedGen C0086650, MONDO:0009658, OMIM 252940.

Submission:

Labcorp Genetics (formerly Invitae), Labcorp
Classification: Likely pathogenic for Mucopolysaccharidosis, MPS-III-D. Last evaluated: 2021-08-20. Review status: criteria provided, single submitter. Criteria: Invitae Variant Classification Sherloc (09022015). Collection method: clinical testing. Allele origin: germline.
Comment: This sequence change affects a donor splice site in intron 10 of the GNS gene. It is expected to disrupt RNA splicing. Variants that disrupt the donor or acceptor splice site typically lead to a loss of protein function (PMID: 16199547), and loss-of-function variants in GNS are known to be pathogenic (PMID: 20232353). This variant is not present in population databases (ExAC no frequency). This variant has not been reported in the literature in individuals affected with GNS-related conditions. Algorithms developed to predict the effect of sequence changes on RNA splicing suggest that this variant may disrupt the consensus splice site. In summary, the currently available evidence indicates that the variant is pathogenic, but additional data are needed to prove that conclusively. Therefore, this variant has been classified as Likely Pathogenic.

Literature cited by the submitters: PubMed 16199547; PubMed 20232353.

NM_002076.4(GNS):c.1200+2T>A

Gene: GNS (glucosamine (N-acetyl)-6-sulfatase; minus strand). Cytogenetic location: 12q14.3.
Variant type: single nucleotide variant.
Coding change: c.1200+2T>A on transcript NM_002076.4 (MANE Select); the canonical splice donor site of the intron after coding-DNA position 1200, T replaced by A.
Molecular consequence: splice donor variant.
Genome position (GRCh38, 1-based): chr12:64,728,954, A>T on the plus strand (T>A on the coding strand, the complement: GNS is on the minus strand). VCF-style: chr12-64728954-A-T. GRCh37 (hg19) VCF-style: chr12-65122734-A-T.
Identifiers: ClinVar variation 1479117 (VCV001479117.6), dbSNP rs2136240508, ClinGen allele CA385604090.